The following is an entry in ClinVar:

ClinVar aggregate classification (germline): Uncertain significance (1 of 4 stars; one submission).

gnomAD v4.1: 44 of 1,613,068 alleles (0.0027%); highest among the groups gnomAD compares: Admixed American, 0.028%; 1 homozygote.

Submission:

Labcorp Genetics (formerly Invitae), Labcorp
Classification: Uncertain significance. Last evaluated: 2024-09-21. Review status: criteria provided, single submitter. Criteria: Invitae Variant Classification Sherloc (09022015). Collection method: clinical testing. Allele origin: germline.
Comment: This sequence change replaces asparagine, which is neutral and polar, with serine, which is neutral and polar, at codon 1358 of the SORL1 protein (p.Asn1358Ser). This variant is present in population databases (rs747306346, gnomAD 0.02%). This missense change has been observed in individual(s) with Alzheimer disease (PMID: 22472873). An algorithm developed to predict the effect of missense changes on protein structure and function outputs the following: PolyPhen-2: "Benign". The serine amino acid residue is found in multiple mammalian species, which suggests that this missense change does not adversely affect protein function. In summary, the available evidence is currently insufficient to determine the role of this variant in disease. Therefore, it has been classified as a Variant of Uncertain Significance.

Literature cited by the submitters: PubMed 22472873.

NM_003105.6(SORL1):c.4073A>G (p.Asn1358Ser)

Gene: SORL1 (sortilin related receptor 1; plus strand). Cytogenetic location: 11q24.1.
Variant type: single nucleotide variant.
Coding change: c.4073A>G on transcript NM_003105.6 (MANE Select); coding-DNA position 4073, A replaced by G.
Protein change: p.Asn1358Ser; replaces asparagine 1358 with serine.
Molecular consequence: missense variant.
Genome position (GRCh38, 1-based): chr11:121,589,385, A>G. VCF-style: chr11-121589385-A-G. GRCh37 (hg19) VCF-style: chr11-121460094-A-G.
Other names: short protein forms N1358S.
Identifiers: ClinVar variation 3721106 (VCV003721106.2).
Genomic context (GRCh38, chr11:121,589,385, plus strand): 5'-TCAGTTTGATTTGGAAGTGCGACGGGATGGATGATTGCGGCGATTATTCTGATGAAGCCA[A>G]CTGCGGTAAGATGTCCAGTCTGCCTCCTCACATCCTAATCCTCTAGTTAACAGTGATGCC-3'
Protein context (NP_003096.2, residues 1348-1368): DDCGDYSDEA[Asn1358Ser]CENPTEAPNC